The following is an entry in ClinVar:

ClinVar aggregate classification (germline): Uncertain significance (1 of 4 stars; one submission).

Conditions:
Coffin-Lowry syndrome (CLS). Also called: COFFIN-LOWRY SYNDROME, MILD; Mental retardation with osteocartilaginous abnormalities. Identifiers: Orphanet 192, MedGen C0265252, MONDO:0010561, OMIM 303600.

Submission:

Suma Genomics
Classification: Uncertain significance for Coffin-Lowry syndrome. Review status: criteria provided, single submitter. Criteria: ACMG Guidelines, 2015. Collection method: clinical testing. Allele origin: de novo. Inheritance: X-linked inheritance. Affected: yes.
Comment: This variant is not observed in the gnomAD database. In-silico analysis tool SpliceAI predicts this variant in RPS6KA3 to cause aberrant splicing. Loss-of-function variants in RPS6KA3 are associated with Coffin-Lowry syndrome (MIM# 303600) and Intellectual developmental disorder, X-linked 19 (MIM# 300844). ACMG classification: Variant of uncertain significance Criteria met: PM2_Supporting:Extremely low frequency in gnomAD population databases PM6:De novo in a patient with phenotype consistency, no family history and both maternity and paternity are assumed. PP3: For a missense or a splicing region variant, computational prediction tools unanimously support a deleterious effect on the gene

NM_004586.3(RPS6KA3):c.1602+5G>C

Gene: RPS6KA3 (ribosomal protein S6 kinase A3; minus strand). Cytogenetic location: Xp22.12.
Variant type: single nucleotide variant.
Coding change: c.1602+5G>C on transcript NM_004586.3 (MANE Select); 5 bases into the intron after coding-DNA position 1602, G replaced by C.
Molecular consequence: intron variant.
Genome position (GRCh38, 1-based): chrX:20,167,584, C>G on the plus strand (G>C on the coding strand, the complement: RPS6KA3 is on the minus strand). VCF-style: chrX-20167584-C-G. GRCh37 (hg19) VCF-style: chrX-20185702-C-G.
Other names: c.1518+5G>C (NM_001438340.1).
Identifiers: ClinVar variation 4812812 (VCV004812812.1).